The following is an entry in ClinVar:

ClinVar aggregate classification (germline): Uncertain significance (1 of 4 stars; one submission).

gnomAD v4.1: 4 of 1,614,084 alleles (0.00025%); highest among the groups gnomAD compares: African/African-American, 0.0027%; no homozygotes.

Submission:

Ambry Genetics
Classification: Uncertain significance. Last evaluated: 2024-04-18. Review status: criteria provided, single submitter. Criteria: Ambry Variant Classification Scheme 2023. Collection method: clinical testing. Allele origin: germline.
Comment: The p.T149S variant (also known as c.446C>G), located in coding exon 6 of the NPAT gene, results from a C to G substitution at nucleotide position 446. The threonine at codon 149 is replaced by serine, an amino acid with similar properties. This amino acid position is conserved. In addition, this alteration is predicted to be tolerated by in silico analysis. Based on the available evidence, the clinical significance of this variant remains unclear.

NM_002519.3(NPAT):c.446C>G (p.Thr149Ser)

Gene: NPAT (nuclear protein, coactivator of histone transcription; minus strand). Cytogenetic location: 11q22.3.
Variant type: single nucleotide variant.
Coding change: c.446C>G on transcript NM_002519.3 (MANE Select); coding-DNA position 446, C replaced by G.
Protein change: p.Thr149Ser; replaces threonine 149 with serine.
Molecular consequence: missense variant.
Genome position (GRCh38, 1-based): chr11:108,189,216, G>C on the plus strand (C>G on the coding strand, the complement: NPAT is on the minus strand). VCF-style: chr11-108189216-G-C. GRCh37 (hg19) VCF-style: chr11-108059943-G-C.
Other names: c.446C>G, p.Thr149Ser (NM_001321307.1); short protein forms T149S.
Identifiers: ClinVar variation 3300632 (VCV003300632.1).
Genomic context (GRCh38, chr11:108,189,216, plus strand): 5'-CTCGATGGATCTGAAATTTGGCCACTTGGTCGAGTAACCTGTGTACCTGTGGAAGGAGGA[G>C]TGGTAAACTGTCCTGAAAGGTAAGGTAAAGTGAGCAACTCTGCACTGGCTGGAGCTGTTT-3'
Protein context (NP_002510.2, residues 139-159): TLPYLSGQFT[Thr149Ser]PPSTGTQVTR